The following is an entry in ClinVar:

NM_017612.5(ZCCHC8):c.1910A>G (p.Asn637Ser)

Gene: ZCCHC8 (zinc finger CCHC-type containing 8; minus strand). Cytogenetic location: 12q24.31.
Variant type: single nucleotide variant.
Coding change: c.1910A>G on transcript NM_017612.5 (MANE Select); coding-DNA position 1910, A replaced by G.
Protein change: p.Asn637Ser; replaces asparagine 637 with serine.
Molecular consequence: missense variant.
Genome position (GRCh38, 1-based): chr12:122,473,711, T>C on the plus strand (A>G on the coding strand, the complement: ZCCHC8 is on the minus strand). VCF-style: chr12-122473711-T-C. GRCh37 (hg19) VCF-style: chr12-122958258-T-C.
Other names: c.1910A>G (NM_017612.4); c.1679A>G, p.Asn560Ser (NM_001350935.2); c.1613A>G, p.Asn538Ser (NM_001350936.2); c.1196A>G, p.Asn399Ser (NM_001350937.2, NM_001350938.2); short protein forms N399S, N538S, N560S, N637S.
Identifiers: ClinVar variation 1567056 (VCV001567056.10), dbSNP rs184370017, ClinGen allele CA6846074.

ClinVar aggregate classification (germline): Likely benign. Review status: criteria provided, single submitter (1 of 4 stars). 2 submissions from 2 submitters: Likely benign (1). 1 of the submissions does not count toward it. Last evaluated 2026-01-02.

Conditions:
ZCCHC8-related disorder. Also called: ZCCHC8-related condition.

Allele frequency attached by ClinVar (database versions not stated): 1000 Genomes Project 30x 0.00062; 1000 Genomes Project 0.00080; ESP Exome Variant Server 0.00082.
gnomAD v4.1: 278 of 1,613,968 alleles (0.017%); highest among the groups gnomAD compares: African/African-American, 0.32%; 1 homozygote.

Submissions (2):

Labcorp Genetics (formerly Invitae), Labcorp
Classification: Likely benign. Last evaluated: 2026-01-02. Review status: criteria provided, single submitter. Criteria: Invitae Variant Classification Sherloc (09022015). Collection method: clinical testing. Allele origin: germline.

PreventionGenetics, part of Exact Sciences
Classification: Likely benign for ZCCHC8-related condition. Last evaluated: 2022-01-20. Review status: no assertion criteria provided. Collection method: clinical testing. Allele origin: germline. Not counted in ClinVar's aggregate classification.
Comment: This variant is classified as likely benign based on ACMG/AMP sequence variant interpretation guidelines (Richards et al. 2015 PMID: 25741868, with internal and published modifications).